The following is an entry in ClinVar:

ClinVar aggregate classification (germline): Uncertain significance. Review status: criteria provided, multiple submitters, no conflicts (2 of 4 stars). 4 submissions from 4 submitters: Uncertain significance (4). Last evaluated 2026-04-13.

Conditions:
Inborn genetic diseases. Identifiers: MedGen C0950123, MeSH D030342.

Allele frequency attached by ClinVar (database versions not stated): gnomAD 0.00001; gnomAD exomes 0.00001 and 0.00002; TOPMed 0.00001; ExAC 0.00003.
gnomAD v4.1: 17 of 1,593,342 alleles (0.0011%); highest among the groups gnomAD compares: Middle Eastern, 0.036%; no homozygotes.

Submissions (4):

Women's Health and Genetics/Laboratory Corporation of America, LabCorp
Classification: Uncertain significance. Last evaluated: 2026-04-13. Review status: criteria provided, single submitter. Criteria: LabCorp Variant Classification Summary - May 2015. Collection method: clinical testing. Allele origin: germline.
Comment: Variant summary: SI c.2279C>T (p.Ala760Val) results in a non-conservative amino acid change in the encoded protein sequence. Algorithms developed to predict the effect of missense changes on protein structure and function all suggest that this variant is likely to be disruptive. The variant allele was found at a frequency of 2.4e-05 in 250066 control chromosomes. The available data on variant occurrences in the general population are insufficient to allow any conclusion about variant significance. To our knowledge, no occurrence of c.2279C>T in individuals affected with SI-related conditions and no experimental evidence demonstrating its impact on protein function have been reported. ClinVar contains an entry for this variant (Variation ID: 1361647). Based on the evidence outlined above, the variant was classified as uncertain significance.

Ambry Genetics
Classification: Uncertain significance for Inborn genetic diseases. Last evaluated: 2024-08-14. Review status: criteria provided, single submitter. Criteria: Ambry Variant Classification Scheme 2023. Collection method: clinical testing. Allele origin: germline.

Labcorp Genetics (formerly Invitae), Labcorp
Classification: Uncertain significance. Last evaluated: 2021-09-01. Review status: criteria provided, single submitter. Criteria: Invitae Variant Classification Sherloc (09022015). Collection method: clinical testing. Allele origin: germline.
Comment: This sequence change replaces alanine with valine at codon 760 of the SI protein (p.Ala760Val). The alanine residue is moderately conserved and there is a small physicochemical difference between alanine and valine. This variant is present in population databases (rs757068502, ExAC 0.02%). This variant has not been reported in the literature in individuals affected with SI-related conditions. Advanced modeling of protein sequence and biophysical properties (such as structural, functional, and spatial information, amino acid conservation, physicochemical variation, residue mobility, and thermodynamic stability) performed at Invitae indicates that this missense variant is expected to disrupt SI protein function. In summary, the available evidence is currently insufficient to determine the role of this variant in disease. Therefore, it has been classified as a Variant of Uncertain Significance.

Breakthrough Genomics
Classification: Uncertain significance. Review status: criteria provided, single submitter. Criteria: ACMG Guidelines, 2015. Collection method: not provided. Allele origin: germline. Inheritance: Autosomal recessive inheritance. Affected: yes.

NM_001041.4(SI):c.2279C>T (p.Ala760Val)

Gene: SI (sucrase-isomaltase; minus strand). Cytogenetic location: 3q26.1.
Variant type: single nucleotide variant.
Coding change: c.2279C>T on transcript NM_001041.4 (MANE Select); coding-DNA position 2279, C replaced by T.
Protein change: p.Ala760Val; replaces alanine 760 with valine.
Molecular consequence: missense variant.
Genome position (GRCh38, 1-based): chr3:165,039,100, G>A on the plus strand (C>T on the coding strand, the complement: SI is on the minus strand). VCF-style: chr3-165039100-G-A. GRCh37 (hg19) VCF-style: chr3-164756888-G-A.
Other names: c.2279C>T (NM_001041.3); short protein forms A760V.
Identifiers: ClinVar variation 1361647 (VCV001361647.8), dbSNP rs757068502, ClinGen allele CA2690766.